The following is an entry in ClinVar:

ClinVar aggregate classification (germline): Uncertain significance (1 of 4 stars; one submission).

Allele frequency attached by ClinVar (database versions not stated): gnomAD exomes below 0.00001.

Submission:

Labcorp Genetics (formerly Invitae), Labcorp
Classification: Uncertain significance. Last evaluated: 2022-06-07. Review status: criteria provided, single submitter. Criteria: Invitae Variant Classification Sherloc (09022015). Collection method: clinical testing. Allele origin: germline.
Comment: In summary, the available evidence is currently insufficient to determine the role of this variant in disease. Therefore, it has been classified as a Variant of Uncertain Significance. Algorithms developed to predict the effect of missense changes on protein structure and function are either unavailable or do not agree on the potential impact of this missense change (SIFT: "Deleterious"; PolyPhen-2: "Benign"; Align-GVGD: "Class C0"). This variant has not been reported in the literature in individuals affected with RELB-related conditions. This variant is not present in population databases (gnomAD no frequency). This sequence change replaces phenylalanine, which is neutral and non-polar, with serine, which is neutral and polar, at codon 467 of the RELB protein (p.Phe467Ser).

NM_006509.4(RELB):c.1400T>C (p.Phe467Ser)

Gene: RELB (RELB proto-oncogene, NF-kB subunit; plus strand). Cytogenetic location: 19q13.32.
Variant type: single nucleotide variant.
Coding change: c.1400T>C on transcript NM_006509.4 (MANE Select); coding-DNA position 1400, T replaced by C.
Protein change: p.Phe467Ser; replaces phenylalanine 467 with serine.
Molecular consequence: missense variant.
Genome position (GRCh38, 1-based): chr19:45,037,450, T>C. VCF-style: chr19-45037450-T-C. GRCh37 (hg19) VCF-style: chr19-45540708-T-C.
Other names: c.1391T>C, p.Phe464Ser (NM_001411087.1); short protein forms F467S, F464S.
Identifiers: ClinVar variation 2002907 (VCV002002907.4), dbSNP rs2513662179, ClinGen allele CA406308883.